The following is an entry in ClinVar:

NM_000088.4(COL1A1):c.4054C>G (p.Leu1352Val)

Gene: COL1A1 (collagen type I alpha 1 chain; minus strand). Cytogenetic location: 17q21.33.
Variant type: single nucleotide variant.
Coding change: c.4054C>G on transcript NM_000088.4 (MANE Select); coding-DNA position 4054, C replaced by G.
Protein change: p.Leu1352Val; replaces leucine 1352 with valine.
Molecular consequence: missense variant.
Genome position (GRCh38, 1-based): chr17:50,185,972, G>C on the plus strand (C>G on the coding strand, the complement: COL1A1 is on the minus strand). VCF-style: chr17-50185972-G-C. GRCh37 (hg19) VCF-style: chr17-48263333-G-C.
Other names: short protein forms L1352V.
Identifiers: ClinVar variation 1044702 (VCV001044702.28), dbSNP rs1906478020, ClinGen allele CA400192598.

ClinVar aggregate classification (germline): Uncertain significance. Review status: criteria provided, multiple submitters, no conflicts (2 of 4 stars). 4 submissions from 4 submitters: Uncertain significance (4). Last evaluated 2024-10-31.

Conditions:
Osteogenesis imperfecta type I (OI1). Also called: Lobstein's Disease; Osteogenesis imperfecta type 1; Lobstein disease; Classic Non-deforming Osteogenesis Imperfecta with Blue Sclerae; OI, TYPE I; OSTEOGENESIS IMPERFECTA TARDA. Identifiers: Orphanet 216796, Orphanet 666, MedGen C0023931, MONDO:0008146, OMIM 166200. Disease mechanism: loss of function.

Submissions (4):

GeneDx
Classification: Uncertain significance. Last evaluated: 2024-10-31. Review status: criteria provided, single submitter. Criteria: GeneDx Variant Classification Process June 2021. Collection method: clinical testing. Allele origin: germline. Affected: yes.
Comment: Has not been previously published as pathogenic or benign to our knowledge; In silico analysis indicates that this missense variant does not alter protein structure/function; Not observed at significant frequency in large population cohorts (gnomAD)

CeGaT Center for Human Genetics Tuebingen
Classification: Uncertain significance. Last evaluated: 2024-09-01. Review status: criteria provided, single submitter. Criteria: CeGaT Center For Human Genetics Tuebingen Variant Classification Criteria Version 2. Collection method: clinical testing. Allele origin: germline. Affected: yes. Observed: 1 variant allele.
Comment: COL1A1: PM2

Johns Hopkins Genomics, Johns Hopkins University
Classification: Uncertain significance. Last evaluated: 2021-05-27. Review status: criteria provided, single submitter. Criteria: ACMG Guidelines, 2015. Collection method: clinical testing. Allele origin: germline.
Comment: COL1A1 c.4054C>G is absent from a large population dataset and has not been reported in the literature, to our knowledge. This variant has been reported in ClinVar. Of three bioinformatics tools queried, two predict that the substitution would be tolerated, while one predicts that it would be damaging. The leucine residue at this position is evolutionarily conserved across most species assessed. We consider the clinical significance of COL1A1 c.4054C>G to be uncertain at this time.

Labcorp Genetics (formerly Invitae), Labcorp
Classification: Uncertain significance for Osteogenesis imperfecta type I. Last evaluated: 2020-10-02. Review status: criteria provided, single submitter. Criteria: Invitae Variant Classification Sherloc (09022015). Collection method: clinical testing. Allele origin: germline.
Comment: In summary, the available evidence is currently insufficient to determine the role of this variant in disease. Therefore, it has been classified as a Variant of Uncertain Significance. Algorithms developed to predict the effect of sequence changes on RNA splicing suggest that this variant may create or strengthen a splice site, but this prediction has not been confirmed by published transcriptional studies. Advanced modeling of protein sequence and biophysical properties (such as structural, functional, and spatial information, amino acid conservation, physicochemical variation, residue mobility, and thermodynamic stability) performed at Invitae indicates that this missense variant is not expected to disrupt COL1A1 protein function. This variant has not been reported in the literature in individuals with COL1A1-related conditions. This variant is not present in population databases (ExAC no frequency). This sequence change replaces leucine with valine at codon 1352 of the COL1A1 protein (p.Leu1352Val). The leucine residue is moderately conserved and there is a small physicochemical difference between leucine and valine.